The following is an entry in ClinVar:

ClinVar aggregate classification (germline): Uncertain significance (1 of 4 stars; one submission).

Submission:

GeneDx
Classification: Uncertain significance. Last evaluated: 2026-03-03. Review status: criteria provided, single submitter. Criteria: GeneDx Variant Classification Process June 2021. Collection method: clinical testing. Allele origin: germline.
Comment: Not observed at significant frequency in large population cohorts (gnomAD); In silico analysis suggests that this missense variant does not alter protein structure/function; Has not been previously published as pathogenic or benign to our knowledge

NM_014625.4(NPHS2):c.133C>T (p.Pro45Ser)

Gene: NPHS2 (NPHS2 stomatin family member, podocin; minus strand). Cytogenetic location: 1q25.2.
Variant type: single nucleotide variant.
Coding change: c.133C>T on transcript NM_014625.4 (MANE Select); coding-DNA position 133, C replaced by T.
Protein change: p.Pro45Ser; replaces proline 45 with serine.
Molecular consequence: missense variant.
Genome position (GRCh38, 1-based): chr1:179,575,732, G>A on the plus strand (C>T on the coding strand, the complement: NPHS2 is on the minus strand). VCF-style: chr1-179575732-G-A. GRCh37 (hg19) VCF-style: chr1-179544867-G-A.
Other names: c.133C>T, p.Pro45Ser (NM_001297575.2); short protein forms P45S.
Identifiers: ClinVar variation 5008284 (VCV005008284.1).